The following is an entry in ClinVar:

NM_004369.4(COL6A3):c.3823C>G (p.Gln1275Glu)

Gene: COL6A3 (collagen type VI alpha 3 chain; minus strand). Cytogenetic location: 2q37.3.
Variant type: single nucleotide variant.
Coding change: c.3823C>G on transcript NM_004369.4 (MANE Select); coding-DNA position 3823, C replaced by G.
Protein change: p.Gln1275Glu; replaces glutamine 1275 with glutamic acid.
Molecular consequence: missense variant.
Genome position (GRCh38, 1-based): chr2:237,372,194, G>C on the plus strand (C>G on the coding strand, the complement: COL6A3 is on the minus strand). VCF-style: chr2-237372194-G-C. GRCh37 (hg19) VCF-style: chr2-238280837-G-C.
Other names: c.2602C>G, p.Gln868Glu (NM_057164.5); c.3205C>G, p.Gln1069Glu (NM_057165.5, NM_057167.4); c.2002C>G, p.Gln668Glu (NM_057166.5); short protein forms Q1069E, Q1275E, Q668E, Q868E.
Identifiers: ClinVar variation 1004941 (VCV001004941.9), dbSNP rs2077710026, ClinGen allele CA351199044.
Genomic context (GRCh38, chr2:237,372,194, plus strand): 5'-CTTCATCCTTGCTGGAATGGGCGTTCAGCAGGAACTCCACCTTGGGGTCATCGCTGAACT[G>C]GATGACAGCCACCCGGGTGGTGTCAAAGCCCACGTCCAGGTAGTCAACCAGCCTCTCTAT-3'
Protein context (NP_004360.2, residues 1265-1285): GFDTTRVAVI[Gln1275Glu]FSDDPKVEFL

ClinVar aggregate classification (germline): Uncertain significance (1 of 4 stars; one submission).

Conditions:
Bethlem myopathy 1A. Also called: Bethlem Muscular Dystrophy; MYOPATHY, BENIGN CONGENITAL, WITH CONTRACTURES; Bethlem myopathy 1. Identifiers: Orphanet 610, MedGen CN029274, MONDO:0024530, OMIM 158810.

Submission:

Labcorp Genetics (formerly Invitae), Labcorp
Classification: Uncertain significance for Bethlem myopathy 1A. Last evaluated: 2022-03-18. Review status: criteria provided, single submitter. Criteria: Invitae Variant Classification Sherloc (09022015). Collection method: clinical testing. Allele origin: germline.
Comment: This sequence change replaces glutamine, which is neutral and polar, with glutamic acid, which is acidic and polar, at codon 1275 of the COL6A3 protein (p.Gln1275Glu). This variant is not present in population databases (gnomAD no frequency). This variant has not been reported in the literature in individuals affected with COL6A3-related conditions. ClinVar contains an entry for this variant (Variation ID: 1004941). Algorithms developed to predict the effect of missense changes on protein structure and function are either unavailable or do not agree on the potential impact of this missense change (SIFT: "Deleterious"; PolyPhen-2: "Probably Damaging"; Align-GVGD: "Class C0"). In summary, the available evidence is currently insufficient to determine the role of this variant in disease. Therefore, it has been classified as a Variant of Uncertain Significance.